The following is an entry in ClinVar:

ClinVar aggregate classification (germline): Uncertain significance (1 of 4 stars; one submission).

Conditions:
Perlman syndrome (PRLMNS). Identifiers: Orphanet 2849, MedGen C0796113, MONDO:0009965, OMIM 267000.

Submission:

Labcorp Genetics (formerly Invitae), Labcorp
Classification: Uncertain significance for Renal hamartomas nephroblastomatosis and fetal gigantism. Last evaluated: 2019-06-01. Review status: criteria provided, single submitter. Criteria: Invitae Variant Classification Sherloc (09022015). Collection method: clinical testing. Allele origin: germline.
Comment: This variant is a gross duplication of the genomic region encompassing exons 17-21 of the DIS3L2 gene. The 5' boundary is likely confined to intron 16. The 3' end of this event is unknown as it extends beyond the assayed region for this gene and therefore may encompass additional genes. The exact location of this variant in the genome is unknown. This variant has not been reported in the literature in individuals with DIS3L2-related disease. Experimental studies and prediction algorithms are not available for this variant, and the functional significance of the duplicated amino acids is currently unknown. In summary, the available evidence is currently insufficient to determine the role of this variant in disease. Therefore, it has been classified as a Variant of Uncertain Significance.

NC_000002.11:g.(?_233198540)_(233201350_?)dup

Gene: DIS3L2 (DIS3 like 3'-5' exoribonuclease 2; plus strand). Cytogenetic location: 2q37.1.
Variant type: Duplication.
Identifiers: ClinVar variation 665024 (VCV000665024.2).